The following is an entry in ClinVar:

ClinVar aggregate classification (germline): Likely benign (1 of 4 stars; one submission).

Conditions:
MELAS syndrome (MELAS). Also called: Juvenile myopathy, encephalopathy, lactic acidosis, stroke. Identifiers: Orphanet 550, MedGen C0162671, MONDO:0010789, OMIM 540000.

Submission:

Wong Mito Lab, Molecular and Human Genetics, Baylor College of Medicine
Classification: Likely benign for MELAS syndrome. Last evaluated: 2019-07-12. Review status: criteria provided, single submitter. Criteria: Modified ACMG Guidelines (Unpublished). Collection method: clinical testing. Allele origin: germline.
Comment: The NC_012920.1:m.3254C>T variant in MT-TL1 gene is interpreted to be a Likely Benign variant based on the modified ACMG guidelines (unpublished). This variant meets the following evidence codes reported in the guidelines: BS1, BP4, BP6

Literature cited by the submitters: PubMed 31965079; PubMed 15870203; PubMed 15477393.

NC_012920.1(MT-TL1):m.3254C>T

Gene: MT-TL1 (mitochondrially encoded tRNA leucine 1 (UUA/G); plus strand).
Variant type: single nucleotide variant.
Genome position: chrM-3254-C-T.
Identifiers: ClinVar variation 689859 (VCV000689859.1), dbSNP rs1603218855, ClinGen allele CA913169005.
Genomic context (GRCh38, chrMT:3,254, plus strand): 5'-TAGTATTATACCCACACCCACCCAAGAACAGGGTTTGTTAAGATGGCAGAGCCCGGTAAT[C>T]GCATAAAACTTAAAACTTTACAGTCAGAGGTTCAATTCCTCTTCTTAACAACATACCCAT-3'